The following is an entry in ClinVar:

ClinVar aggregate classification (germline): Uncertain significance. Review status: criteria provided, multiple submitters, no conflicts (2 of 4 stars). 3 submissions from 3 submitters: Uncertain significance (3). Last evaluated 2023-02-18.

Conditions:
Severe combined immunodeficiency due to DNA-PKcs deficiency. Also called: IMMUNODEFICIENCY 26 WITH NEUROLOGIC ABNORMALITIES; Immunodeficiency 26 with or without neurologic abnormalities. Identifiers: Orphanet 317425, MedGen C4014833, MONDO:0014423, OMIM 615966.

Allele frequency attached by ClinVar (database versions not stated): gnomAD exomes 0.00002; ExAC 0.00003; gnomAD 0.00003 and 0.00004; TOPMed 0.00003.

Submissions (3):

Ambry Genetics
Classification: Uncertain significance. Last evaluated: 2023-02-18. Review status: criteria provided, single submitter. Criteria: Ambry Variant Classification Scheme 2023. Collection method: clinical testing. Allele origin: germline.
Comment: The p.S621L variant (also known as c.1862C>T), located in coding exon 17 of the PRKDC gene, results from a C to T substitution at nucleotide position 1862. The serine at codon 621 is replaced by leucine, an amino acid with dissimilar properties. This amino acid position is conserved. In addition, this alteration is predicted to be tolerated by in silico analysis. Since supporting evidence is limited at this time, the clinical significance of this alteration remains unclear.

Labcorp Genetics (formerly Invitae), Labcorp
Classification: Uncertain significance for Severe combined immunodeficiency due to DNA-PKcs deficiency. Last evaluated: 2022-07-06. Review status: criteria provided, single submitter. Criteria: Invitae Variant Classification Sherloc (09022015). Collection method: clinical testing. Allele origin: germline.
Comment: This sequence change replaces serine, which is neutral and polar, with leucine, which is neutral and non-polar, at codon 621 of the PRKDC protein (p.Ser621Leu). The frequency data for this variant in the population databases is considered unreliable, as metrics indicate poor data quality at this position in the gnomAD database. This variant has not been reported in the literature in individuals affected with PRKDC-related conditions. ClinVar contains an entry for this variant (Variation ID: 541987). Algorithms developed to predict the effect of missense changes on protein structure and function output the following: SIFT: "Not Available"; PolyPhen-2: "Not Available"; Align-GVGD: "Not Available". The leucine amino acid residue is found in multiple mammalian species, which suggests that this missense change does not adversely affect protein function. Algorithms developed to predict the effect of sequence changes on RNA splicing suggest that this variant may disrupt the consensus splice site. In summary, the available evidence is currently insufficient to determine the role of this variant in disease. Therefore, it has been classified as a Variant of Uncertain Significance.

GeneDx
Classification: Uncertain significance. Last evaluated: 2020-01-08. Review status: criteria provided, single submitter. Criteria: GeneDx Variant Classification Process June 2021. Collection method: clinical testing. Allele origin: germline. Affected: yes.
Comment: In silico analysis, which includes protein predictors and evolutionary conservation, supports that this variant does not alter protein structure/function; Has not been previously published as pathogenic or benign to our knowledge

NM_006904.7(PRKDC):c.1862C>T (p.Ser621Leu)

Gene: PRKDC (protein kinase, DNA-activated, catalytic subunit; minus strand). Cytogenetic location: 8q11.21.
Variant type: single nucleotide variant.
Coding change: c.1862C>T on transcript NM_006904.7 (MANE Select); coding-DNA position 1862, C replaced by T.
Protein change: p.Ser621Leu; replaces serine 621 with leucine.
Molecular consequence: missense variant.
Genome position (GRCh38, 1-based): chr8:47,930,702, G>A on the plus strand (C>T on the coding strand, the complement: PRKDC is on the minus strand). VCF-style: chr8-47930702-G-A. GRCh37 (hg19) VCF-style: chr8-48843262-G-A.
Other names: c.1862C>T, p.Ser621Leu (NM_001081640.2); short protein forms S621L.
Identifiers: ClinVar variation 541987 (VCV000541987.10), dbSNP rs759890511, ClinGen allele CA4741620.